The following is an entry in ClinVar:

ClinVar aggregate classification (germline): Conflicting classifications of pathogenicity. Review status: criteria provided, conflicting classifications (1 of 4 stars). 3 submissions from 3 submitters: Uncertain significance (1); Likely benign (2). Last evaluated 2026-01-09.

Conditions:
Hereditary sensory and autonomic neuropathy type 1 (HSAN1). Also called: HSAN 1; HSN Type I; Hereditary Sensory Neuropathy Type I. Identifiers: Orphanet 36386, MedGen C0020071, MONDO:0018213.
Charcot-Marie-Tooth disease. Also called: Charcot-Marie-Tooth Neuropathy; Charcot-Marie-Tooth Hereditary Neuropathy. Identifiers: Orphanet 166, MedGen C0007959, MONDO:0015626.
SPTLC1-related disorder. Also called: SPTLC1-related condition.

Allele frequency attached by ClinVar (database versions not stated): gnomAD 0.00004; TOPMed 0.00004.

Submissions (3):

Labcorp Genetics (formerly Invitae), Labcorp
Classification: Likely benign for Hereditary sensory and autonomic neuropathy type 1. Last evaluated: 2026-01-09. Review status: criteria provided, single submitter. Criteria: Invitae Variant Classification Sherloc (09022015). Collection method: clinical testing. Allele origin: germline.

PreventionGenetics, part of Exact Sciences
Classification: Likely benign for SPTLC1-related condition. Last evaluated: 2025-05-28. Review status: criteria provided, single submitter. Criteria: ACMG Guidelines, 2015. Collection method: clinical testing. Allele origin: germline.
Comment: This variant is classified as likely benign based on ACMG/AMP sequence variant interpretation guidelines (Richards et al. 2015 PMID: 25741868, with internal and published modifications).

Molecular Genetics Laboratory, London Health Sciences Centre
Classification: Uncertain significance for Charcot-Marie-Tooth disease. Review status: criteria provided, single submitter. Criteria: ACMG Guidelines, 2015. Collection method: clinical testing. Allele origin: germline. Affected: yes.

NM_006415.4(SPTLC1):c.388G>T (p.Val130Leu)

Gene: SPTLC1 (serine palmitoyltransferase long chain base subunit 1; minus strand). Cytogenetic location: 9q22.31.
Variant type: single nucleotide variant.
Coding change: c.388G>T on transcript NM_006415.4 (MANE Select); coding-DNA position 388, G replaced by T.
Protein change: p.Val130Leu; replaces valine 130 with leucine.
Molecular consequence: missense variant. On other transcripts: 5 prime UTR variant (2).
Genome position (GRCh38, 1-based): chr9:92,080,055, C>A on the plus strand (G>T on the coding strand, the complement: SPTLC1 is on the minus strand). VCF-style: chr9-92080055-C-A. GRCh37 (hg19) VCF-style: chr9-94842337-C-A.
Other names: c.388G>T, p.Val130Leu (NM_001281303.2, NM_178324.3); c.-112G>T (NM_001368272.1); c.-78G>T (NM_001368273.1); short protein forms V130L.
Identifiers: ClinVar variation 704277 (VCV000704277.11), dbSNP rs200773661, ClinGen allele CA5121582.